The following is an entry in ClinVar:

NM_000038.6(APC):c.3401_3428del (p.Asp1134fs)

Gene: APC (APC regulator of Wnt signaling pathway; plus strand). Cytogenetic location: 5q22.2.
Variant type: Deletion.
Coding change: c.3401_3428del on transcript NM_000038.6 (MANE Select); coding-DNA positions 3401 to 3428, 28 bases deleted (ACTATGAAGATGATAAGCCTACCAATTA).
Protein change: p.Asp1134fs; shifts the reading frame from aspartic acid 1134.
Molecular consequence: frameshift variant. On other transcripts: non-coding transcript variant (2).
Genome position (GRCh38, 1-based): chr5:112,838,995-112,839,022, ACTATGAAGATGATAAGCCTACCAATTA deleted. VCF-style (leftmost placement, unchanged base first): chr5-112838994-GACTATGAAGATGATAAGCCTACCAATTA-G. GRCh37 (hg19) VCF-style: chr5-112174691-GACTATGAAGATGATAAGCCTACCAATTA-G.
Other names: c.3401_3428del, p.Asp1134fs (NM_001127510.3, NM_001354895.2, NM_001407450.1); c.3347_3374del, p.Asp1116fs (NM_001127511.3); c.3455_3482del, p.Asp1152fs (NM_001354896.2, NM_001407447.1, NM_001407448.1 and 1 more transcripts); c.3431_3458del, p.Asp1144fs (NM_001354897.2); c.3326_3353del, p.Asp1109fs (NM_001354898.2); c.3317_3344del, p.Asp1106fs (NM_001354899.2); c.3278_3305del, p.Asp1093fs (NM_001354900.2); c.3224_3251del, p.Asp1075fs (NM_001354901.2, NM_001407453.1); and 11 more; short protein forms D1005fs, D1008fs, D1033fs, D1043fs, D1051fs, D1075fs, D1093fs, D1106fs.
Identifiers: ClinVar variation 4530189 (VCV004530189.1).
Genomic context (GRCh38, chr5:112,838,994, plus strand): 5'-CGAGTGGGTTCTAATCATGGAATTAATCAAAATGTAAGCCAGTCTTTGTGTCAAGAAGAT[GACTATGAAGATGATAAGCCTACCAATTA>G]TAGTGAACGTTACTCTGAAGAAGAACAGCATGAAGAAGAAGAGAGACCAACAAATTATAG-3'

ClinVar aggregate classification (somatic clinical impact): Tier I - Strong (1 of 4 stars; one submission).

Conditions:
Desmoid tumor. Also called: Desmoid tumour; Aggressive fibromatosis. Identifiers: Orphanet 873, MedGen C0079218, MONDO:0007608, HP:6001034.

Submission:

Institute for Genomic Medicine (IGM) Clinical Laboratory, Nationwide Children's Hospital
Classification: Tier I - Strong for Desmoid tumor. Assertion type: diagnostic. Clinical significance: supports diagnosis. Last evaluated: 2023-12-04. Review status: criteria provided, single submitter. Criteria: AMP/ASCO/CAP Guidelines, 2017. Collection method: clinical testing. Allele origin: somatic. Affected: yes.
Comment: Variant has Tier I (strong) clinical significance as a diagnostic inclusion criterion in desmoid tumor, based on the following evidence: 1) Appears in one or more well-established professional guidelines (e.g., World Health Organization [WHO]; National Comprehensive Cancer Network [NCCN]) as providing diagnostic, prognostic, or therapeutic information (PMIDs: 9250146, 9744495, 10597266, 15793634, 18722078, 21904137, 26171757). 2) Diagnostic for a specific tumor type/classification based on well-powered studies with expert-level consensus (Evidence Level B; PMIDs: 9250146, 9744495, 10597266, 15793634, 18722078, 21904137, 26171757).

Literature cited by the submitters: PubMed 9250146; PubMed 9744495; PubMed 10597266; PubMed 15793634; PubMed 18722078; PubMed 21904137; PubMed 26171757.